The following is an entry in ClinVar:

NM_000548.5(TSC2):c.3948G>T (p.Gly1316=)

Gene: TSC2 (TSC complex subunit 2; plus strand). Cytogenetic location: 16p13.3.
Variant type: single nucleotide variant.
Coding change: c.3948G>T on transcript NM_000548.5 (MANE Select); coding-DNA position 3948, G replaced by T.
Protein change: p.Gly1316=; no amino-acid change (glycine 1316 retained).
Molecular consequence: synonymous variant. On other transcripts: non-coding transcript variant (5).
Genome position (GRCh38, 1-based): chr16:2,083,759, G>T. VCF-style: chr16-2083759-G-T. GRCh37 (hg19) VCF-style: chr16-2133760-G-T.
Other names: c.2145G>T, p.Gly715= (NM_001406698.1); c.3819G>T, p.Gly1273= (NM_021055.3, NM_001370405.1); c.3747G>T, p.Gly1249= (NM_001077183.3); c.3879G>T, p.Gly1293= (NM_001114382.3); c.3639G>T, p.Gly1213= (NM_001318827.2); c.3603G>T, p.Gly1201= (NM_001318829.2); c.3216G>T, p.Gly1072= (NM_001318831.2); c.3780G>T, p.Gly1260= (NM_001318832.2); and 26 more.
Identifiers: ClinVar variation 1736398 (VCV001736398.6), dbSNP rs763278787, ClinGen allele CA492956596.

ClinVar aggregate classification (germline): Benign/Likely benign. Review status: criteria provided, multiple submitters, no conflicts (2 of 4 stars). 3 submissions from 3 submitters: Benign (1); Likely benign (2). Last evaluated 2025-06-02.

Conditions:
Hereditary cancer-predisposing syndrome. Also called: Neoplastic Syndromes, Hereditary; Tumor predisposition; Hereditary Cancer Syndrome; Hereditary neoplastic syndrome. Identifiers: Orphanet 140162, MedGen C0027672, MeSH D009386, MONDO:0015356.
Tuberous sclerosis 2 (TSC2). Identifiers: Orphanet 805, MedGen C1860707, MONDO:0013199, OMIM 613254.

Allele frequency attached by ClinVar (database versions not stated): gnomAD 0.00001.
gnomAD v4.1: 2 of 1,610,066 alleles (0.00012%); highest among the groups gnomAD compares: African/African-American, 0.0013%; no homozygotes.

Submissions (3):

Myriad Genetics, Inc.
Classification: Benign for Tuberous sclerosis 2. Last evaluated: 2025-06-02. Review status: criteria provided, single submitter. Criteria: Myriad Autosomal Dominant, Autosomal Recessive and X-Linked Classification Criteria (2023). Collection method: clinical testing. Allele origin: unknown.
Comment: This variant is considered benign. This variant is a silent/synonymous amino acid change and it is not expected to impact splicing.

Labcorp Genetics (formerly Invitae), Labcorp
Classification: Likely benign for Tuberous sclerosis 2. Last evaluated: 2025-01-29. Review status: criteria provided, single submitter. Criteria: Invitae Variant Classification Sherloc (09022015). Collection method: clinical testing. Allele origin: germline.

Ambry Genetics
Classification: Likely benign for Hereditary cancer-predisposing syndrome. Last evaluated: 2021-07-28. Review status: criteria provided, single submitter. Criteria: Ambry Variant Classification Scheme 2023. Collection method: clinical testing. Allele origin: germline.